The following is an entry in ClinVar:

NM_001165963.4(SCN1A):c.3874G>C (p.Val1292Leu)

Genes: SCN1A (sodium voltage-gated channel alpha subunit 1; minus strand), LOC102724058 (uncharacterized LOC102724058; plus strand). Cytogenetic location: 2q24.3.
Variant type: single nucleotide variant.
Coding change: c.3874G>C on transcript NM_001165963.4 (MANE Select); coding-DNA position 3874, G replaced by C.
Protein change: p.Val1292Leu; replaces valine 1292 with leucine.
Molecular consequence: missense variant. On other transcripts: non-coding transcript variant (1).
Genome position (GRCh38, 1-based): chr2:166,012,114, C>G on the plus strand (G>C on the coding strand, the complement: SCN1A is on the minus strand). VCF-style: chr2-166012114-C-G. GRCh37 (hg19) VCF-style: chr2-166868624-C-G.
Other names: c.3790G>C, p.Val1264Leu (NM_001165964.3, NM_001353957.2, NM_001353958.2); c.3874G>C, p.Val1292Leu (NM_001202435.3, NM_001353948.2); c.3841G>C, p.Val1281Leu (NM_001353949.2, NM_001353950.2, NM_001353951.2 and 2 more transcripts); c.3838G>C, p.Val1280Leu (NM_001353954.2, NM_001353955.2); c.3787G>C, p.Val1263Leu (NM_001353960.2); c.1432G>C, p.Val478Leu (NM_001353961.2); short protein forms V1264L, V1280L, V478L, V1263L, V1281L, V1292L.
Identifiers: ClinVar variation 1359116 (VCV001359116.9), dbSNP rs2105591537, ClinGen allele CA349053828.
Genomic context (GRCh38, chr2:166,012,114, plus strand): 5'-AATATAAATAAGACAAGCTACCTTGAACAGAGACAAAAATATGAACGATACCTACATCAA[C>G]AATTAAGAAGTCCAGCCAACACCAGGCATTGGTGAAATATGTTTGATAGCCATATGCCAC-3'
Protein context (NP_001159435.1, residues 1282-1302): NAWCWLDFLI[Val1292Leu]DVSLVSLTAN

ClinVar aggregate classification (germline): Pathogenic (1 of 4 stars; one submission).

Conditions:
Early-infantile DEE. Also called: Early infantile epileptic encephalopathy with suppression bursts; Early infantile epileptic encephalopathy; Ohtahara syndrome. Identifiers: Orphanet 1934, MedGen C0393706, MONDO:0800491.

Submission:

Labcorp Genetics (formerly Invitae), Labcorp
Classification: Pathogenic for Early-infantile DEE. Last evaluated: 2022-03-19. Review status: criteria provided, single submitter. Criteria: Invitae Variant Classification Sherloc (09022015). Collection method: clinical testing. Allele origin: germline.
Comment: For these reasons, this variant has been classified as Pathogenic. Advanced modeling of protein sequence and biophysical properties (such as structural, functional, and spatial information, amino acid conservation, physicochemical variation, residue mobility, and thermodynamic stability) performed at Invitae indicates that this missense variant is expected to disrupt SCN1A protein function. This missense change has been observed in individual(s) with clinical features of SCN1A-related conditions (Invitae). In at least one individual the variant was observed to be de novo. This variant is not present in population databases (gnomAD no frequency). This sequence change replaces valine, which is neutral and non-polar, with leucine, which is neutral and non-polar, at codon 1292 of the SCN1A protein (p.Val1292Leu).